The following is an entry in ClinVar:

NC_000005.9:g.(?_60170442)_(60186933_?)del

Gene: ERCC8 (ERCC excision repair 8, CSA ubiquitin ligase complex subunit; minus strand). Cytogenetic location: 5q12.1.
Variant type: Deletion.
Identifiers: ClinVar variation 3246433 (VCV003246433.1).

ClinVar aggregate classification (germline): Pathogenic (1 of 4 stars; one submission).

Submission:

Labcorp Genetics (formerly Invitae), Labcorp
Classification: Pathogenic. Last evaluated: 2023-06-22. Review status: criteria provided, single submitter. Criteria: Invitae Variant Classification Sherloc (09022015). Collection method: clinical testing. Allele origin: unknown.
Comment: For these reasons, this variant has been classified as Pathogenic. This variant disrupts a region of the ERCC8 protein in which other variant(s) (p.Ser351Argfs*3) have been determined to be pathogenic (PMID: 28848724, 30039856). This suggests that this is a clinically significant region of the protein, and that variants that disrupt it are likely to be disease-causing. This variant has not been reported in the literature in individuals affected with ERCC8-related conditions. This variant is a gross deletion of the genomic region encompassing exon(s) 10-12 of the ERCC8 gene, which includes the termination codon. This deletion extends beyond the assayed region for this gene and therefore may encompass additional genes. While this deletion is not anticipated to lead to nonsense mediated decay, it is expected to alter mRNA translation or result in a truncated protein product.

Literature cited by the submitters: PubMed 28848724; PubMed 30039856.